The following is an entry in ClinVar:

NM_002234.4(KCNA5):c.982G>C (p.Glu328Gln)

Gene: KCNA5 (potassium voltage-gated channel subfamily A member 5; plus strand). Cytogenetic location: 12p13.32.
Variant type: single nucleotide variant.
Coding change: c.982G>C on transcript NM_002234.4 (MANE Select); coding-DNA position 982, G replaced by C.
Protein change: p.Glu328Gln; replaces glutamic acid 328 with glutamine.
Molecular consequence: missense variant.
Genome position (GRCh38, 1-based): chr12:5,045,129, G>C. VCF-style: chr12-5045129-G-C. GRCh37 (hg19) VCF-style: chr12-5154295-G-C.
Other names: short protein forms E328Q.
Identifiers: ClinVar variation 4746522 (VCV004746522.1).

ClinVar aggregate classification (germline): Uncertain significance (1 of 4 stars; one submission).

Conditions:
Atrial fibrillation, familial, 7 (ATFB7). Identifiers: MedGen C2677106, MONDO:0012828, OMIM 612240.

Submission:

Labcorp Genetics (formerly Invitae), Labcorp
Classification: Uncertain significance for Atrial fibrillation, familial, 7. Last evaluated: 2026-01-11. Review status: criteria provided, single submitter. Criteria: Invitae Variant Classification Sherloc (09022015). Collection method: clinical testing. Allele origin: germline.
Comment: This sequence change replaces glutamic acid, which is acidic and polar, with glutamine, which is neutral and polar, at codon 328 of the KCNA5 protein (p.Glu328Gln). This variant is not present in population databases (gnomAD no frequency). This variant has not been reported in the literature in individuals affected with KCNA5-related conditions. Invitae Evidence Modeling of protein sequence and biophysical properties (such as structural, functional, and spatial information, amino acid conservation, physicochemical variation, residue mobility, and thermodynamic stability) indicates that this missense variant is expected to disrupt KCNA5 protein function with a positive predictive value of 80%. In summary, the available evidence is currently insufficient to determine the role of this variant in disease. Therefore, it has been classified as a Variant of Uncertain Significance.